The following is an entry in ClinVar:

NM_015100.4(POGZ):c.2035_2037del (p.Leu679del)

Gene: POGZ (pogo transposable element derived with ZNF domain; minus strand). Cytogenetic location: 1q21.3.
Variant type: Deletion.
Coding change: c.2035_2037del on transcript NM_015100.4 (MANE Select); coding-DNA positions 2035 to 2037, 3 bases deleted (CTG; older notation c.2035_2037delCTG).
Protein change: p.Leu679del; deletes leucine 679.
Molecular consequence: inframe deletion.
Genome position (GRCh38, 1-based): chr1:151,408,718-151,408,720, CAG deleted on the plus strand (CTG on the coding strand, the reverse complement: POGZ is on the minus strand); deleting any 3 consecutive bases within chr1:151,408,718-151,408,721 gives the same sequence; the c. name uses the placement nearest the transcript's 3' end. VCF-style (leftmost placement, unchanged base first): chr1-151408717-CCAG-C. GRCh37 (hg19) VCF-style: chr1-151381193-CCAG-C.
Other names: c.2008_2010del, p.Leu670del (NM_001194937.2); c.1849_1851del, p.Leu617del (NM_001194938.2); c.2056_2058del, p.Leu686del (NM_001410860.1); c.1750_1752del, p.Leu584del (NM_145796.4); c.1876_1878del, p.Leu626del (NM_207171.2); short protein forms L584del, L617del, L626del, L670del, L679del, L686del.
Identifiers: ClinVar variation 2630351 (VCV002630351.2), dbSNP rs2529247755, ClinGen allele CA2695199877.
Genomic context (GRCh38, chr1:151,408,717, plus strand): 5'-TCCCTGGGCCTATAAAAGACACTGGCAAACTCTTTACCTTGGTGCCTGGTTTCAAGCCCT[CCAG>C]CTGCTTGGGTTTACGGAAGGTTTTATGGTGTTGAAGCTTGTGTTCAATTTTGTCCTTGGC-3'

ClinVar aggregate classification (germline): Uncertain significance (0 of 4 stars; one submission).

Conditions:
POGZ-related disorder. Also called: POGZ-related condition.

Submission:

PreventionGenetics, part of Exact Sciences
Classification: Uncertain significance for POGZ-related condition. Last evaluated: 2024-07-12. Review status: no assertion criteria provided. Collection method: clinical testing. Allele origin: germline.
Comment: The POGZ c.2035_2037delCTG variant is predicted to result in an in-frame deletion (p.Leu679del). To our knowledge, this variant has not been reported in the literature or in a large population database, indicating this variant is rare. At this time, the clinical significance of this variant is uncertain due to the absence of conclusive functional and genetic evidence.